The following is an entry in ClinVar:

NM_000554.6(CRX):c.500C>G (p.Ser167Ter)

Gene: CRX (cone-rod homeobox; plus strand). Cytogenetic location: 19q13.33.
Variant type: single nucleotide variant.
Coding change: c.500C>G on transcript NM_000554.6 (MANE Select); coding-DNA position 500, C replaced by G.
Protein change: p.Ser167Ter; replaces serine 167 with a stop codon.
Molecular consequence: nonsense.
Genome position (GRCh38, 1-based): chr19:47,839,567, C>G. VCF-style: chr19-47839567-C-G. GRCh37 (hg19) VCF-style: chr19-48342824-C-G.
Other names: short protein forms S167*.
Identifiers: ClinVar variation 3775931 (VCV003775931.1).

ClinVar aggregate classification (germline): Likely pathogenic (1 of 4 stars; one submission).

Conditions:
Cone-rod dystrophy 2 (CORD2). Also called: CONE-ROD RETINAL DYSTROPHY; Cone-rod retinal dystrophy 2. Identifiers: Orphanet 1872, MedGen C3489532, MONDO:0007362, OMIM 120970.

Submission:

3billion
Classification: Likely pathogenic for Cone-rod dystrophy 2. Last evaluated: 2023-11-09. Review status: criteria provided, single submitter. Criteria: ACMG Guidelines, 2015. Collection method: clinical testing. Allele origin: germline. Affected: yes.
Comment: The variant is not observed in the gnomAD v2.1.1 dataset. Predicted Consequence/Location: Stop-gained (nonsense): predicted to result in a loss or disruption of normal protein function through protein truncation. The predicted truncated protein may be shortened by more than 10%. Therefore, this variant is classified as Likely pathogenic according to the recommendation of ACMG/AMP guideline.